The following is an entry in ClinVar:

ClinVar aggregate classification (germline): Uncertain significance (1 of 4 stars; one submission).

Submission:

GeneDx
Classification: Uncertain significance. Last evaluated: 2024-06-07. Review status: criteria provided, single submitter. Criteria: GeneDx Variant Classification Process June 2021. Collection method: clinical testing. Allele origin: germline. Affected: yes.
Comment: Not observed at significant frequency in large population cohorts (gnomAD); In silico analysis supports that this missense variant has a deleterious effect on protein structure/function; Has not been previously published as pathogenic or benign to our knowledge

NM_015001.3(SPEN):c.5723A>C (p.Tyr1908Ser)

Gene: SPEN (spen family transcriptional repressor; plus strand). Cytogenetic location: 1p36.13.
Variant type: single nucleotide variant.
Coding change: c.5723A>C on transcript NM_015001.3 (MANE Select); coding-DNA position 5723, A replaced by C.
Protein change: p.Tyr1908Ser; replaces tyrosine 1908 with serine.
Molecular consequence: missense variant.
Genome position (GRCh38, 1-based): chr1:15,931,963, A>C. VCF-style: chr1-15931963-A-C. GRCh37 (hg19) VCF-style: chr1-16258458-A-C.
Other names: short protein forms Y1908S.
Identifiers: ClinVar variation 3384618 (VCV003384618.1).